The following is an entry in ClinVar:

ClinVar aggregate classification (germline): Benign/Likely benign. Review status: criteria provided, multiple submitters, no conflicts (2 of 4 stars). 3 submissions from 3 submitters: Benign (1); Likely benign (1). 1 of the submissions does not count toward it. Last evaluated 2026-01-20.

Conditions:
Pontocerebellar hypoplasia type 2D (PCH2D). Also called: Progressive cerebello-cerebral atrophy. Identifiers: Orphanet 247198, Orphanet 2524, MedGen C3151140, MONDO:0013438, OMIM 613811.

Allele frequency attached by ClinVar (database versions not stated): gnomAD exomes 0.00010 and 0.00046; gnomAD 0.00014 and 0.00022; TOPMed 0.00021; ExAC 0.00031; 1000 Genomes Project 0.00140; 1000 Genomes Project 30x 0.00141.
gnomAD v4.1: 179 of 1,548,806 alleles (0.012%); highest among the groups gnomAD compares: East Asian, 0.33%; no homozygotes.

Submissions (3):

Labcorp Genetics (formerly Invitae), Labcorp
Classification: Benign. Last evaluated: 2026-01-20. Review status: criteria provided, single submitter. Criteria: Invitae Variant Classification Sherloc (09022015). Collection method: clinical testing. Allele origin: germline.

Illumina Laboratory Services, Illumina
Classification: Likely benign for Pontocerebellar hypoplasia type 2D. Last evaluated: 2017-04-27. Review status: criteria provided, single submitter. Criteria: ICSL Variant Classification Criteria 13 December 2019. Collection method: clinical testing. Allele origin: germline.
Comment: This variant was observed as part of a predisposition screen in an ostensibly healthy population. A literature search was performed for the gene, cDNA change, and amino acid change (where applicable). No publications were found based on this search. Allele frequency data from public databases allowed determination this variant is unlikely to cause disease. Therefore, this variant is classified as likely benign.

Natera, Inc.
Classification: Likely benign for Pontocerebellar hypoplasia type 2d. Last evaluated: 2020-04-24. Review status: no assertion criteria provided. Collection method: clinical testing. Allele origin: germline. Not counted in ClinVar's aggregate classification.

NM_016955.4(SEPSECS):c.45G>A (p.Pro15=)

Gene: SEPSECS (Sep (O-phosphoserine) tRNA:Sec (selenocysteine) tRNA synthase; minus strand). Cytogenetic location: 4p15.2.
Variant type: single nucleotide variant.
Coding change: c.45G>A on transcript NM_016955.4 (MANE Select); coding-DNA position 45, G replaced by A.
Protein change: p.Pro15=; no amino-acid change (proline 15 retained).
Molecular consequence: synonymous variant.
Genome position (GRCh38, 1-based): chr4:25,160,325, C>T on the plus strand (G>A on the coding strand, the complement: SEPSECS is on the minus strand). VCF-style: chr4-25160325-C-T. GRCh37 (hg19) VCF-style: chr4-25161947-C-T.
Identifiers: ClinVar variation 761884 (VCV000761884.15), dbSNP rs77226826, ClinGen allele CA2877576.